The following is an entry in ClinVar:

NM_018979.4(WNK1):c.5734A>C (p.Ile1912Leu)

Gene: WNK1 (WNK lysine deficient protein kinase 1; plus strand). Cytogenetic location: 12p13.33.
Variant type: single nucleotide variant.
Coding change: c.5734A>C on transcript NM_018979.4 (MANE Select); coding-DNA position 5734, A replaced by C.
Protein change: p.Ile1912Leu; replaces isoleucine 1912 with leucine.
Molecular consequence: missense variant.
Genome position (GRCh38, 1-based): chr12:896,221, A>C. VCF-style: chr12-896221-A-C. GRCh37 (hg19) VCF-style: chr12-1005387-A-C.
Other names: c.6514A>C, p.Ile2172Leu (NM_001184985.2); c.4990A>C, p.Ile1664Leu (NM_014823.3); c.6490A>C, p.Ile2164Leu (NM_213655.5); short protein forms I2164L, I1912L, I1664L, I2172L.
Identifiers: ClinVar variation 195834 (VCV000195834.20), dbSNP rs201995891, ClinGen allele CA242472.
Genomic context (GRCh38, chr12:896,221, plus strand): 5'-TCCTCAGTGCTATCAAGTAGTAGTCCAGAGAGTACCTTGGTGAAACCAGAGCCGAATGGC[A>C]TAACCATCCCTGGTATCTCTTCAGATGTGCCAGAGAGTGCCCACAAAACTACTGCCTCAG-3'
Protein context (NP_061852.3, residues 1902-1922): STLVKPEPNG[Ile1912Leu]TIPGISSDVP

ClinVar aggregate classification (germline): Conflicting classifications of pathogenicity. Review status: criteria provided, conflicting classifications (1 of 4 stars). 5 submissions from 5 submitters: Uncertain significance (4); Likely benign (1). Last evaluated 2026-01-19.

Conditions:
Inborn genetic diseases. Identifiers: MedGen C0950123, MeSH D030342.
Neuropathy, hereditary sensory and autonomic, type 2A (HSAN2A). Also called: MORVAN DISEASE; NEUROPATHY, CONGENITAL SENSORY; NEUROPATHY, HEREDITARY SENSORY RADICULAR, AUTOSOMAL RECESSIVE; NEUROPATHY, HEREDITARY SENSORY, TYPE IIA; NEUROPATHY, PROGRESSIVE SENSORY, OF CHILDREN; ACROOSTEOLYSIS, GIACCAI TYPE. Identifiers: Orphanet 970, MedGen C2752089, MONDO:0024309, OMIM 201300.
Pseudohypoaldosteronism type 2C (PHA2C). Also called: Pseudohypoaldosteronism Type IIC. Identifiers: Orphanet 757, Orphanet 88940, MedGen C1840391, MONDO:0013778, OMIM 614492.

Allele frequency attached by ClinVar (database versions not stated): gnomAD 0.00006; TOPMed 0.00012; 1000 Genomes Project 30x 0.00016; 1000 Genomes Project 0.00020.
gnomAD v4.1: 80 of 1,614,212 alleles (0.005%); highest among the groups gnomAD compares: East Asian, 0.058%; no homozygotes.

Submissions (5):

Labcorp Genetics (formerly Invitae), Labcorp
Classification: Likely benign for Neuropathy, hereditary sensory and autonomic, type 2A; Pseudohypoaldosteronism type 2C. Last evaluated: 2026-01-19. Review status: criteria provided, single submitter. Criteria: Invitae Variant Classification Sherloc (09022015). Collection method: clinical testing. Allele origin: germline.

Fulgent Genetics
Classification: Uncertain significance for Neuropathy, hereditary sensory and autonomic, type 2A; Pseudohypoaldosteronism type 2C. Last evaluated: 2024-01-22. Review status: criteria provided, single submitter. Criteria: ACMG Guidelines, 2015. Collection method: clinical testing. Allele origin: germline.

GeneDx
Classification: Uncertain significance. Last evaluated: 2022-08-08. Review status: criteria provided, single submitter. Criteria: GeneDx Variant Classification Process June 2021. Collection method: clinical testing. Allele origin: germline. Affected: yes.
Comment: In silico analysis supports that this missense variant does not alter protein structure/function; Has not been previously published as pathogenic or benign to our knowledge

Ambry Genetics
Classification: Uncertain significance for Inborn genetic diseases. Last evaluated: 2019-11-12. Review status: criteria provided, single submitter. Criteria: Ambry Variant Classification Scheme 2023. Collection method: clinical testing. Allele origin: germline.
Comment: The p.I2164L variant (also known as c.6490A>C), located in coding exon 24 of the WNK1 gene, results from an A to C substitution at nucleotide position 6490. The isoleucine at codon 2164 is replaced by leucine, an amino acid with highly similar properties. This amino acid position is poorly conserved in available vertebrate species. In addition, this alteration is predicted to be tolerated by in silico analysis. Since supporting evidence is limited at this time, the clinical significance of this alteration remains unclear.

Eurofins Ntd Llc (ga)
Classification: Uncertain significance. Last evaluated: 2014-12-02. Review status: criteria provided, single submitter. Criteria: EGL Classification Definitions 2015. Collection method: clinical testing. Allele origin: germline. Observed: 1 variant allele, 1 heterozygote.